The following is an entry in ClinVar:

NM_001379210.1(SLC25A26):c.191-45T>C

Gene: SLC25A26 (solute carrier family 25 member 26; plus strand). Cytogenetic location: 3p14.1.
Variant type: single nucleotide variant.
Coding change: c.191-45T>C on transcript NM_001379210.1 (MANE Select); 45 bases into the intron before coding-DNA position 191, T replaced by C.
Molecular consequence: intron variant.
Genome position (GRCh38, 1-based): chr3:66,243,158, T>C. VCF-style: chr3-66243158-T-C. GRCh37 (hg19) VCF-style: chr3-66293582-T-C.
Other names: c.191-45T>C (NM_173471.4); c.-74-45T>C (NM_001350993.1, NM_001164796.1).
Identifiers: ClinVar variation 671600 (VCV000671600.2), dbSNP rs28589457, ClinGen allele CA2483616.
Genomic context (GRCh38, chr3:66,243,158, plus strand): 5'-TCTCATAATTTAATAATTATTGTCATACTTTTTGAGAAACATGTTTCTTAACAGTGTGAA[T>C]ATATGTTTAAACTTTGTGAAAGACTGGCTTGTTTTAAATTTCAGCTGCTGCATTTTTTAT-3'

ClinVar aggregate classification (germline): Benign. Review status: criteria provided, multiple submitters, no conflicts (2 of 4 stars). 2 submissions from 2 submitters: Benign (2). Last evaluated 2018-06-16.

Allele frequency attached by ClinVar (database versions not stated): gnomAD exomes 0.00876 and 0.01914; ExAC 0.02172; gnomAD 0.06445 and 0.06921; 1000 Genomes Project 0.06510; 1000 Genomes Project 30x 0.07183; ESP Exome Variant Server 0.07231; TOPMed 0.07249.
gnomAD v4.1: 16,767 of 908,936 alleles (1.8%); highest among the groups gnomAD compares: African/African-American, 22%; 1,523 homozygotes.

Submissions (2):

GeneDx
Classification: Benign. Last evaluated: 2018-06-16. Review status: criteria provided, single submitter. Criteria: GeneDx Variant Classification (06012015). Collection method: clinical testing. Allele origin: germline. Affected: yes.
Comment: This variant is considered likely benign or benign based on one or more of the following criteria: it is a conservative change, it occurs at a poorly conserved position in the protein, it is predicted to be benign by multiple in silico algorithms, and/or has population frequency not consistent with disease.

Breakthrough Genomics
Classification: Benign. Review status: criteria provided, single submitter. Criteria: ACMG Guidelines, 2015. Collection method: not provided. Allele origin: germline. Inheritance: Autosomal recessive inheritance. Affected: yes.